The following is an entry in ClinVar:

NM_001374828.1(ARID1B):c.3484C>G (p.Pro1162Ala)

Gene: ARID1B (AT-rich interaction domain 1B; plus strand). Cytogenetic location: 6q25.3.
Variant type: single nucleotide variant.
Coding change: c.3484C>G on transcript NM_001374828.1 (MANE Select); coding-DNA position 3484, C replaced by G.
Protein change: p.Pro1162Ala; replaces proline 1162 with alanine.
Molecular consequence: missense variant. On other transcripts: intron variant (5).
Genome position (GRCh38, 1-based): chr6:157,174,985, C>G. VCF-style: chr6-157174985-C-G. GRCh37 (hg19) VCF-style: chr6-157496119-C-G.
Other names: c.985C>G, p.Pro329Ala (NM_001363725.2); c.3613C>G, p.Pro1205Ala (NM_001438482.1); c.3526C>G, p.Pro1176Ala (NM_001438483.1); c.3394C>G, p.Pro1132Ala (NM_001438485.1); c.3304C>G, p.Pro1102Ala (NM_001438487.1); c.3384+868C>G (NM_001371656.1, NM_001374820.1); c.3387+868C>G (NM_001438486.1); c.3345+868C>G (NM_017519.3); and 1 more; short protein forms P1102A, P1132A, P1162A, P1176A, P1205A, P329A.
Identifiers: ClinVar variation 4881196 (VCV004881196.2).

ClinVar aggregate classification (germline): Uncertain significance (1 of 4 stars; one submission).

Conditions:
Coffin-Siris syndrome 1 (CSS1). Also called: ARID1B-Related Coffin-Siris Syndrome; Mental retardation, autosomal dominant 12. Identifiers: Orphanet 1465, MedGen C3281201, MONDO:0007617, OMIM 135900. Disease mechanism: gain of function.

Submission:

Dasa
Classification: Uncertain significance for Coffin-Siris syndrome 1. Last evaluated: 2026-02-01. Review status: criteria provided, single submitter. Criteria: DASA Assertion Criteria. Collection method: clinical testing. Allele origin: germline.
Comment: NM_001374828.1(ARID1B):c.3484C>G (p.Pro1162Ala) is a missense variant that results in the substitution of proline with alanine. This variant is absent from population databases. The currently available literature and clinical evidence are not sufficient to establish a definitive association between this variant and the reported condition. Therefore, this variant is classified as a variant of uncertain significance.